The following is an entry in ClinVar:

NM_001371986.1(UNC80):c.4111G>T (p.Asp1371Tyr)

Gene: UNC80 (unc-80 homolog, NALCN channel complex subunit; plus strand). Cytogenetic location: 2q34.
Variant type: single nucleotide variant.
Coding change: c.4111G>T on transcript NM_001371986.1 (MANE Select); coding-DNA position 4111, G replaced by T.
Protein change: p.Asp1371Tyr; replaces aspartic acid 1371 with tyrosine.
Molecular consequence: missense variant.
Genome position (GRCh38, 1-based): chr2:209,888,095, G>T. VCF-style: chr2-209888095-G-T. GRCh37 (hg19) VCF-style: chr2-210752819-G-T.
Other names: c.4117G>T, p.Asp1373Tyr (NM_032504.2); c.4102G>T, p.Asp1368Tyr (NM_182587.4); short protein forms D1371Y, D1373Y, D1368Y.
Identifiers: ClinVar variation 2127641 (VCV002127641.1), dbSNP rs1040685136, ClinGen allele CA65037011.

ClinVar aggregate classification (germline): Uncertain significance (1 of 4 stars; one submission).

Allele frequency attached by ClinVar (database versions not stated): gnomAD 0.00001; gnomAD exomes 0.00004.
gnomAD v4.1: 48 of 1,551,506 alleles (0.0031%); highest among the groups gnomAD compares: Non-Finnish European, 0.004%; no homozygotes.

Submission:

Labcorp Genetics (formerly Invitae), Labcorp
Classification: Uncertain significance. Last evaluated: 2022-08-19. Review status: criteria provided, single submitter. Criteria: Invitae Variant Classification Sherloc (09022015). Collection method: clinical testing. Allele origin: germline.
Comment: This sequence change replaces aspartic acid, which is acidic and polar, with tyrosine, which is neutral and polar, at codon 1373 of the UNC80 protein (p.Asp1373Tyr). This variant is present in population databases (no rsID available, gnomAD 0.003%). This variant has not been reported in the literature in individuals affected with UNC80-related conditions. Algorithms developed to predict the effect of missense changes on protein structure and function are either unavailable or do not agree on the potential impact of this missense change (SIFT: "Not Available"; PolyPhen-2: "Probably Damaging"; Align-GVGD: "Not Available"). In summary, the available evidence is currently insufficient to determine the role of this variant in disease. Therefore, it has been classified as a Variant of Uncertain Significance.